The following is an entry in ClinVar:

NM_003803.4(MYOM1):c.442G>A (p.Val148Ile)

Gene: MYOM1 (myomesin 1; minus strand). Cytogenetic location: 18p11.31.
Variant type: single nucleotide variant.
Coding change: c.442G>A on transcript NM_003803.4 (MANE Select); coding-DNA position 442, G replaced by A.
Protein change: p.Val148Ile; replaces valine 148 with isoleucine.
Molecular consequence: missense variant.
Genome position (GRCh38, 1-based): chr18:3,189,077, C>T on the plus strand (G>A on the coding strand, the complement: MYOM1 is on the minus strand). VCF-style: chr18-3189077-C-T. GRCh37 (hg19) VCF-style: chr18-3189075-C-T.
Other names: c.442G>A, p.Val148Ile (NM_019856.2); short protein forms V148I.
Identifiers: ClinVar variation 1740539 (VCV001740539.9), dbSNP rs979959493, ClinGen allele CA295517779.

ClinVar aggregate classification (germline): Uncertain significance. Review status: criteria provided, multiple submitters, no conflicts (2 of 4 stars). 2 submissions from 2 submitters: Uncertain significance (2). Last evaluated 2025-12-30.

Conditions:
Hypertrophic cardiomyopathy. Also called: HYPERTROPHIC MYOCARDIOPATHY. Identifiers: Orphanet 217569, MedGen C0007194, MeSH D002312, MONDO:0005045, HP:0001639.

Allele frequency attached by ClinVar (database versions not stated): gnomAD 0.00001; gnomAD exomes 0.00001; TOPMed 0.00003.
gnomAD v4.1: 14 of 1,611,234 alleles (0.00087%); highest among the groups gnomAD compares: Admixed American, 0.012%; no homozygotes.

Submissions (2):

Labcorp Genetics (formerly Invitae), Labcorp
Classification: Uncertain significance for Hypertrophic cardiomyopathy. Last evaluated: 2025-12-30. Review status: criteria provided, single submitter. Criteria: Invitae Variant Classification Sherloc (09022015). Collection method: clinical testing. Allele origin: germline.
Comment: This sequence change replaces valine, which is neutral and non-polar, with isoleucine, which is neutral and non-polar, at codon 148 of the MYOM1 protein (p.Val148Ile). This variant is present in population databases (no rsID available, gnomAD 0.02%). This variant has not been reported in the literature in individuals affected with MYOM1-related conditions. ClinVar contains an entry for this variant (Variation ID: 1740539). An algorithm developed to predict the effect of missense changes on protein structure and function outputs the following: PolyPhen-2: "Benign". The isoleucine amino acid residue is found in multiple mammalian species, which suggests that this missense change does not adversely affect protein function. In summary, the available evidence is currently insufficient to determine the role of this variant in disease. Therefore, it has been classified as a Variant of Uncertain Significance.

Ambry Genetics
Classification: Uncertain significance. Last evaluated: 2024-12-30. Review status: criteria provided, single submitter. Criteria: Ambry Variant Classification Scheme 2023. Collection method: clinical testing. Allele origin: germline.